The following is an entry in ClinVar:

NM_003060.4(SLC22A5):c.692C>G (p.Ser231Cys)

Gene: SLC22A5 (solute carrier family 22 member 5; plus strand). Cytogenetic location: 5q31.1.
Variant type: single nucleotide variant.
Coding change: c.692C>G on transcript NM_003060.4 (MANE Select); coding-DNA position 692, C replaced by G.
Protein change: p.Ser231Cys; replaces serine 231 with cysteine.
Molecular consequence: missense variant.
Genome position (GRCh38, 1-based): chr5:132,385,367, C>G. VCF-style: chr5-132385367-C-G. GRCh37 (hg19) VCF-style: chr5-131721059-C-G.
Other names: c.764C>G, p.Ser255Cys (NM_001308122.2); short protein forms S231C, S255C.
Identifiers: ClinVar variation 581634 (VCV000581634.10), dbSNP rs386134206, ClinGen allele CA360805014.

ClinVar aggregate classification (germline): Uncertain significance. Review status: criteria provided, single submitter (1 of 4 stars). 2 submissions from 2 submitters: Uncertain significance (1). 1 of the submissions does not count toward it. Last evaluated 2022-08-09.

Conditions:
Decreased circulating carnitine concentration. Also called: Decreased plasma carnitine. Identifiers: MedGen C5848230, HP:0003234.
Renal carnitine transport defect (CDSP). Also called: CARNITINE DEFICIENCY, SYSTEMIC, DUE TO DEFECT IN RENAL REABSORPTION OF CARNITINE; CARNITINE TRANSPORTER, PLASMA-MEMBRANE, DEFICIENCY OF; CARNITINE UPTAKE DEFECT; Carnitine transporter deficiency; Carnitine Deficiency, Systemic; Primary carnitine deficiency. Identifiers: Orphanet 158, MedGen C0342788, MONDO:0008919, OMIM 212140.

Allele frequency attached by ClinVar (database versions not stated): gnomAD exomes below 0.00001.
gnomAD v4.1: 2 of 1,614,094 alleles (0.00012%); highest among the groups gnomAD compares: Admixed American, 0.0017%; no homozygotes.

Submissions (2):

Labcorp Genetics (formerly Invitae), Labcorp
Classification: Uncertain significance for Renal carnitine transport defect. Last evaluated: 2022-08-09. Review status: criteria provided, single submitter. Criteria: Invitae Variant Classification Sherloc (09022015). Collection method: clinical testing. Allele origin: germline.
Comment: This sequence change replaces serine, which is neutral and polar, with cysteine, which is neutral and slightly polar, at codon 231 of the SLC22A5 protein (p.Ser231Cys). This variant is present in population databases (no rsID available, gnomAD 0.0009%). This variant has not been reported in the literature in individuals affected with SLC22A5-related conditions. ClinVar contains an entry for this variant (Variation ID: 581634). Advanced modeling of protein sequence and biophysical properties (such as structural, functional, and spatial information, amino acid conservation, physicochemical variation, residue mobility, and thermodynamic stability) performed at Invitae indicates that this missense variant is not expected to disrupt SLC22A5 protein function. Algorithms developed to predict the effect of sequence changes on RNA splicing suggest that this variant may create or strengthen a splice site. In summary, the available evidence is currently insufficient to determine the role of this variant in disease. Therefore, it has been classified as a Variant of Uncertain Significance.

Natera, Inc.
Classification: Uncertain significance for Carnitine deficiency. Last evaluated: 2021-09-22. Review status: no assertion criteria provided. Collection method: clinical testing. Allele origin: germline. Not counted in ClinVar's aggregate classification.